The following is an entry in ClinVar:

ClinVar aggregate classification (germline): Pathogenic (1 of 4 stars; one submission).

Conditions:
Hereditary cancer-predisposing syndrome. Also called: Hereditary Cancer Syndrome; Hereditary neoplastic syndrome; Neoplastic Syndromes, Hereditary; Tumor predisposition. Identifiers: Orphanet 140162, MedGen C0027672, MeSH D009386, MONDO:0015356.

Submission:

Ambry Genetics
Classification: Pathogenic for Hereditary cancer-predisposing syndrome. Last evaluated: 2018-10-17. Review status: criteria provided, single submitter. Criteria: Ambry Variant Classification Scheme 2023. Collection method: clinical testing. Allele origin: germline.
Comment: The c.1315delG pathogenic mutation, located in coding exon 4 of the MSH6 gene, results from a deletion of one nucleotide at nucleotide position 1315, causing a translational frameshift with a predicted alternate stop codon (p.D439Mfs*14). This alteration is expected to result in loss of function by premature protein truncation or nonsense-mediated mRNA decay. As such, this alteration is interpreted as a disease-causing mutation.

NM_000179.3(MSH6):c.1315del (p.Asp439fs)

Gene: MSH6 (mutS homolog 6; plus strand). Cytogenetic location: 2p16.3.
Variant type: Deletion.
Coding change: c.1315del on transcript NM_000179.3 (MANE Select); coding-DNA position 1315, one base deleted (G; older notation c.1315delG).
Protein change: p.Asp439fs; shifts the reading frame from aspartic acid 439.
Molecular consequence: frameshift variant.
Genome position (GRCh38, 1-based): chr2:47,799,298, G deleted; the last of 2 consecutive G bases (chr2:47,799,297-47,799,298); deleting either gives the same sequence. VCF-style (leftmost placement, unchanged base first): chr2-47799296-TG-T. GRCh37 (hg19) VCF-style: chr2-48026435-TG-T.
Other names: c.925del, p.Asp309fs (NM_001281492.2); c.409del, p.Asp137fs (NM_001281493.2, NM_001281494.2); c.1411delG, p.Asp471Metfs (NM_001406795.1, NM_001406802.1); c.1315delG, p.Asp439Metfs (NM_001406796.1, NM_001406798.1, NM_001406800.1 and 4 more transcripts); c.1018delG, p.Asp340Metfs (NM_001406797.1, NM_001406801.1, NM_001406805.1 and 10 more transcripts); c.790delG, p.Asp264Metfs (NM_001406799.1, NM_001406806.1, NM_001406807.1); c.1237delG, p.Asp413Metfs (NM_001406804.1); c.409delG, p.Asp137Metfs (NM_001406811.1, NM_001406812.1, NM_001406814.1 and 4 more transcripts); and 2 more; short protein forms D137fs, D309fs, D439fs.
Identifiers: ClinVar variation 1769782 (VCV001769782.2), dbSNP rs2530602619, ClinGen allele CA2580067564.